The following is an entry in ClinVar:

NM_000522.5(HOXA13):c.375_395dup (p.Ala133_Ser134insAlaAlaAlaAlaAlaAlaAla)

Genes: HOXA13 (homeobox A13; minus strand), LOC107126288 (NUP98-HOXA13 recombination region; plus strand). Cytogenetic location: 7p15.2.
Variant type: Duplication.
Coding change: c.375_395dup on transcript NM_000522.5 (MANE Select); coding-DNA positions 375 to 395, 21 bases duplicated (TGCAGCCGCCGCCGCCGCCGC).
Protein change: p.Ala133_Ser134insAlaAlaAlaAlaAlaAlaAla.
Molecular consequence: inframe insertion.
Genome position (GRCh38, 1-based): chr7:27,199,683-27,199,703, GCGGCGGCGGCGGCGGCTGCA duplicated on the plus strand (TGCAGCCGCCGCCGCCGCCGC on the coding strand, the reverse complement: HOXA13 is on the minus strand); duplicating any 21 consecutive bases within chr7:27,199,683-27,199,708 gives the same sequence; the c. name uses the placement nearest the transcript's 3' end. VCF-style (leftmost placement, unchanged base first): chr7-27199682-G-GGCGGCGGCGGCGGCGGCTGCA. GRCh37 (hg19) VCF-style: chr7-27239301-G-GGCGGCGGCGGCGGCGGCTGCA.
Identifiers: ClinVar variation 3618684 (VCV003618684.2).

ClinVar aggregate classification (germline): Uncertain significance (1 of 4 stars; one submission).

Submission:

Labcorp Genetics (formerly Invitae), Labcorp
Classification: Uncertain significance. Last evaluated: 2024-07-27. Review status: criteria provided, single submitter. Criteria: Invitae Variant Classification Sherloc (09022015). Collection method: clinical testing. Allele origin: germline.
Comment: This variant, c.375_395dup, results in the insertion of 7 amino acid(s) of the HOXA13 protein (p.Ala127_Ala133dup), but otherwise preserves the integrity of the reading frame. The frequency data for this variant in the population databases is considered unreliable, as metrics indicate insufficient coverage at this position in the gnomAD database. This variant has not been reported in the literature in individuals affected with HOXA13-related conditions. In summary, the available evidence is currently insufficient to determine the role of this variant in disease. Therefore, it has been classified as a Variant of Uncertain Significance.